The following is an entry in ClinVar:

NM_001199107.2(TBC1D24):c.442G>T (p.Glu148Ter)

Gene: TBC1D24 (TBC1 domain family member 24; plus strand). Cytogenetic location: 16p13.3.
Variant type: single nucleotide variant.
Coding change: c.442G>T on transcript NM_001199107.2 (MANE Select); coding-DNA position 442, G replaced by T.
Protein change: p.Glu148Ter; replaces glutamic acid 148 with a stop codon.
Molecular consequence: nonsense.
Genome position (GRCh38, 1-based): chr16:2,496,590, G>T. VCF-style: chr16-2496590-G-T. GRCh37 (hg19) VCF-style: chr16-2546591-G-T.
Other names: c.442G>T, p.Glu148Ter (NM_020705.3); short protein forms E148*.
Identifiers: ClinVar variation 620424 (VCV000620424.7), dbSNP rs763626059, ClinGen allele CA7844003.

ClinVar aggregate classification (germline): Pathogenic/Likely pathogenic. Review status: criteria provided, multiple submitters, no conflicts (2 of 4 stars). 3 submissions from 3 submitters: Pathogenic (2); Likely pathogenic (1). Last evaluated 2026-04-07.

Conditions:
Autosomal dominant nonsyndromic hearing loss 65. Also called: TBC1D24-Related Autosomal Dominant Nonsyndromic Hearing Loss (DFNA); Deafness, autosomal dominant 65. Identifiers: Orphanet 90635, MedGen C3892048, MONDO:0014470, OMIM 616044.
Developmental and epileptic encephalopathy, 1 (DEE1). Also called: X-linked infantile spasms; West's syndrome; Tonic spasms with clustering, arrest of psychomotor development and hypsarrhythmia on EEG; X-Linked Infantile Spasm Syndrome; OHTAHARA SYNDROME, X-LINKED; INFANTILE SPASM SYNDROME, X-LINKED 1. Identifiers: MedGen C3463992, MONDO:0010632, OMIM 308350. Disease mechanism: loss of function.
TBC1D24-related disorder. Also called: TBC1D24-related condition; TBC1D24-related disorders. Identifiers: MedGen CN381194.

gnomAD v4.1: 28 of 1,609,750 alleles (0.0017%); highest among the groups gnomAD compares: Non-Finnish European, 0.0022%; no homozygotes.

Submissions (3):

PreventionGenetics, part of Exact Sciences
Classification: Likely pathogenic for TBC1D24-related condition. Last evaluated: 2026-04-07. Review status: criteria provided, single submitter. Criteria: ACMG Guidelines, 2015. Collection method: clinical testing. Allele origin: germline.
Comment: The TBC1D24 c.442G>T variant is predicted to result in premature protein termination (p.Glu148*). This variant was reported along with a second variant in an individual with epilepsy (Mondragon et al. 2026. PubMed ID: 41215607). This variant is reported in 0.0018% of alleles in individuals of European (Non-Finnish) descent in gnomAD. Nonsense variants in TBC1D24 are expected to be pathogenic for autosomal recessive disease. This variant is interpreted as likely pathogenic.

Labcorp Genetics (formerly Invitae), Labcorp
Classification: Pathogenic for Developmental and epileptic encephalopathy, 1; Autosomal dominant nonsyndromic hearing loss 65. Last evaluated: 2022-08-23. Review status: criteria provided, single submitter. Criteria: Invitae Variant Classification Sherloc (09022015). Collection method: clinical testing. Allele origin: germline.
Comment: For these reasons, this variant has been classified as Pathogenic. ClinVar contains an entry for this variant (Variation ID: 620424). This variant has not been reported in the literature in individuals affected with TBC1D24-related conditions. This variant is present in population databases (rs763626059, gnomAD 0.002%). This sequence change creates a premature translational stop signal (p.Glu148*) in the TBC1D24 gene. It is expected to result in an absent or disrupted protein product. Loss-of-function variants in TBC1D24 are known to be pathogenic (PMID: 23526554, 24291220).

GeneDx
Classification: Pathogenic. Last evaluated: 2018-10-08. Review status: criteria provided, single submitter. Criteria: GeneDx Variant Classification (06012015). Collection method: clinical testing. Allele origin: germline. Affected: yes.
Comment: The E148X variant in the TBC1D24 gene has not been reported previously as a pathogenic variant nor as a benign variant, to our knowledge. This variant is predicted to cause loss of normal protein function either through protein truncation or nonsense-mediated mRNA decay. The E148X variant is not observed at a significant frequency in large population cohorts (Lek et al., 2016). We interpret E148X as a pathogenic variant.

Literature cited by the submitters: PubMed 23526554 (cited by Labcorp Genetics (formerly Invitae), Labcorp); PubMed 24291220 (cited by Labcorp Genetics (formerly Invitae), Labcorp).